The following is an entry in ClinVar:

ClinVar aggregate classification (germline): Benign. Review status: criteria provided, multiple submitters, no conflicts (2 of 4 stars). 11 submissions from 11 submitters: Benign (11). Last evaluated 2026-02-03.

Conditions:
Epilepsy, childhood absence 4 (ECA4). Also called: EPILEPSY, CHILDHOOD ABSENCE, SUSCEPTIBILITY TO, 4. Identifiers: Orphanet 307, MedGen C1970160.
Idiopathic generalized epilepsy. Also called: Generalised epilepsy; EIG. Identifiers: MedGen C0270850, MONDO:0005579, OMIM 600669.
Epilepsy, idiopathic generalized, susceptibility to, 13. Also called: EPILEPSY, JUVENILE MYOCLONIC, SUSCEPTIBILITY TO, 5. Identifiers: Orphanet 307, Orphanet 64280, MedGen C4013473, MONDO:0012627, OMIM 611136.
Inborn genetic diseases. Identifiers: MedGen C0950123, MeSH D030342.
Developmental and epileptic encephalopathy, 19 (DEE19). Also called: Epileptic encephalopathy, early infantile, 19. Identifiers: Orphanet 33069, MedGen C3810400, MONDO:0014328, OMIM 615744.

Allele frequency attached by ClinVar (database versions not stated): ESP Exome Variant Server 0.22397; 1000 Genomes Project 30x 0.22564; gnomAD exomes 0.26302 and 0.26388; TOPMed 0.22422; gnomAD 0.23745 and 0.23538; 1000 Genomes Project 0.22883; ExAC 0.25915.
gnomAD v4.1: 416,250 of 1,596,510 alleles (26%); highest among the groups gnomAD compares: East Asian, 29%; 55,970 homozygotes.

Submissions (11):

Labcorp Genetics (formerly Invitae), Labcorp
Classification: Benign for Epilepsy, childhood absence 4; Epilepsy, idiopathic generalized, susceptibility to, 13; Idiopathic generalized epilepsy. Last evaluated: 2026-02-03. Review status: criteria provided, single submitter. Criteria: Invitae Variant Classification Sherloc (09022015). Collection method: clinical testing. Allele origin: germline.

Unidad de Genómica Garrahan, Hospital de Pediatría Garrahan
Classification: Benign. Last evaluated: 2024-07-15. Review status: criteria provided, single submitter. Criteria: ACMG Guidelines, 2015. Collection method: clinical testing. Allele origin: germline. Affected: no. Observed: 40 variant alleles.
Comment: This variant is classified as Benign based on local population frequency. This variant was detected in 43% of patients studied in a panel designed for Epileptic and Developmental Encephalopathy and Progressive Myoclonus Epilepsy. Number of patients: 40. Only high quality variants are reported.

Genome-Nilou Lab
Classification: Benign for Developmental and epileptic encephalopathy, 19. Last evaluated: 2021-08-10. Review status: criteria provided, single submitter. Criteria: ACMG Guidelines, 2015. Collection method: clinical testing. Allele origin: germline. Affected: no.

Athena Diagnostics
Classification: Benign. Last evaluated: 2018-05-07. Review status: criteria provided, single submitter. Criteria: Athena Diagnostics Criteria. Collection method: clinical testing. Allele origin: germline.

Mayo Clinic Laboratories, Mayo Clinic
Classification: Benign. Last evaluated: 2018-04-02. Review status: criteria provided, single submitter. Criteria: ACMG Guidelines, 2015. Collection method: clinical testing. Allele origin: germline. Observed: 242 variant alleles.

Illumina Laboratory Services, Illumina
Classification: Benign for Epilepsy, idiopathic generalized, susceptibility to, 13. Last evaluated: 2018-01-13. Review status: criteria provided, single submitter. Criteria: ICSL Variant Classification Criteria 13 December 2019. Collection method: clinical testing. Allele origin: germline.
Comment: This variant was observed in the ICSL laboratory as part of a predisposition screen in an ostensibly healthy population. It had not been previously curated by ICSL or reported in the Human Gene Mutation Database (HGMD: prior to June 1st, 2018), and was therefore a candidate for classification through an automated scoring system. Utilizing variant allele frequency, disease prevalence and penetrance estimates, and inheritance mode, an automated score was calculated to assess if this variant is too frequent to cause the disease. Based on the score and internal cut-off values, a variant classified as benign is not then subjected to further curation. The score for this variant resulted in a classification of benign for this disease.

Eurofins Ntd Llc (ga)
Classification: Benign. Last evaluated: 2016-09-29. Review status: criteria provided, single submitter. Criteria: EGL Classification Definitions 2015. Collection method: clinical testing. Allele origin: germline. Observed: 1 variant allele, 1 heterozygote.

Ambry Genetics
Classification: Benign for Inborn genetic diseases. Last evaluated: 2016-01-08. Review status: criteria provided, single submitter. Criteria: Ambry Variant Classification Scheme 2023. Collection method: clinical testing. Allele origin: germline.

GeneDx
Classification: Benign. Last evaluated: 2015-03-03. Review status: criteria provided, single submitter. Criteria: GeneDx Variant Classification Process June 2021. Collection method: clinical testing. Allele origin: germline. Affected: yes.

Genetic Services Laboratory, University of Chicago
Classification: Benign for AllHighlyPenetrant. Last evaluated: 2013-08-27. Review status: criteria provided, single submitter. Criteria: ACMG Guidelines, 2007. Collection method: clinical testing. Allele origin: germline. Inheritance: Autosomal dominant inheritance.

PreventionGenetics, part of Exact Sciences
Classification: Benign. Review status: criteria provided, single submitter. Criteria: ACMG Guidelines, 2015. Collection method: clinical testing. Allele origin: germline.

NM_001127644.2(GABRA1):c.156T>C (p.Gly52=)

Gene: GABRA1 (gamma-aminobutyric acid type A receptor subunit alpha1; plus strand). Cytogenetic location: 5q34.
Variant type: single nucleotide variant.
Coding change: c.156T>C on transcript NM_001127644.2 (MANE Select); coding-DNA position 156, T replaced by C.
Protein change: p.Gly52=; no amino-acid change (glycine 52 retained).
Molecular consequence: synonymous variant.
Genome position (GRCh38, 1-based): chr5:161,854,239, T>C. VCF-style: chr5-161854239-T-C. GRCh37 (hg19) VCF-style: chr5-161281245-T-C.
Other names: p.Gly52=; c.156T>C, p.Gly52= (NM_000806.5, NM_001127643.2, NM_001127645.2 and 1 more transcripts).
Identifiers: ClinVar variation 129123 (VCV000129123.31), dbSNP rs1129647, ClinGen allele CA152923.